The following is an entry in ClinVar:

NM_182914.3(SYNE2):c.16423C>G (p.Leu5475Val)

Gene: SYNE2 (spectrin repeat containing nuclear envelope protein 2; plus strand). Cytogenetic location: 14q23.2.
Variant type: single nucleotide variant.
Coding change: c.16423C>G on transcript NM_182914.3 (MANE Select); coding-DNA position 16423, C replaced by G.
Protein change: p.Leu5475Val; replaces leucine 5475 with valine.
Molecular consequence: missense variant.
Genome position (GRCh38, 1-based): chr14:64,163,525, C>G. VCF-style: chr14-64163525-C-G. GRCh37 (hg19) VCF-style: chr14-64630243-C-G.
Other names: c.16423C>G, p.Leu5475Val (NM_015180.6); short protein forms L5475V.
Identifiers: ClinVar variation 3720041 (VCV003720041.2).
Genomic context (GRCh38, chr14:64,163,525, plus strand): 5'-CGACTCCCACAACCCGCAGAGTCCAGCACCCACATGCTCCTCCCGGGCCCCCTGCACTCT[C>G]TCCAGAGGGCTGCTTATTTGGAAAAGATGCTGCTTGTGAAAGCAAATGAATTTGAGGTTC-3'
Protein context (NP_878918.2, residues 5465-5485): HMLLPGPLHS[Leu5475Val]QRAAYLEKML

ClinVar aggregate classification (germline): Uncertain significance (1 of 4 stars; one submission).

Conditions:
Emery-Dreifuss muscular dystrophy 5, autosomal dominant (EDMD5). Also called: EMERY-DREIFUSS MUSCULAR DYSTROPHY 5. Identifiers: Orphanet 261, MedGen C2751805, MONDO:0013072, OMIM 612999.

Submission:

Labcorp Genetics (formerly Invitae), Labcorp
Classification: Uncertain significance for Emery-Dreifuss muscular dystrophy 5, autosomal dominant. Last evaluated: 2024-03-28. Review status: criteria provided, single submitter. Criteria: Invitae Variant Classification Sherloc (09022015). Collection method: clinical testing. Allele origin: germline.
Comment: This sequence change replaces leucine, which is neutral and non-polar, with valine, which is neutral and non-polar, at codon 5475 of the SYNE2 protein (p.Leu5475Val). This variant is not present in population databases (gnomAD no frequency). This variant has not been reported in the literature in individuals affected with SYNE2-related conditions. An algorithm developed to predict the effect of missense changes on protein structure and function (PolyPhen-2) suggests that this variant is likely to be disruptive. In summary, the available evidence is currently insufficient to determine the role of this variant in disease. Therefore, it has been classified as a Variant of Uncertain Significance.